The following is an entry in ClinVar:

NM_004218.4(RAB11B):c.34T>C (p.Phe12Leu)

Genes: RAB11B-AS1 (RAB11B antisense RNA 1; minus strand), RAB11B (RAB11B, member RAS oncogene family; plus strand). Cytogenetic location: 19p13.2.
Variant type: single nucleotide variant.
Coding change: c.34T>C on transcript NM_004218.4 (MANE Select); coding-DNA position 34, T replaced by C.
Protein change: p.Phe12Leu; replaces phenylalanine 12 with leucine.
Molecular consequence: missense variant. On other transcripts: non-coding transcript variant (1).
Genome position (GRCh38, 1-based): chr19:8,390,450, T>C. VCF-style: chr19-8390450-T-C. GRCh37 (hg19) VCF-style: chr19-8455334-T-C.
Other names: short protein forms F12L.
Identifiers: ClinVar variation 2841911 (VCV002841911.3), dbSNP rs2512737406, ClinGen allele CA403707136.

ClinVar aggregate classification (germline): Uncertain significance (1 of 4 stars; one submission).

Submission:

Labcorp Genetics (formerly Invitae), Labcorp
Classification: Uncertain significance. Last evaluated: 2023-03-22. Review status: criteria provided, single submitter. Criteria: Invitae Variant Classification Sherloc (09022015). Collection method: clinical testing. Allele origin: germline.
Comment: In summary, the available evidence is currently insufficient to determine the role of this variant in disease. Therefore, it has been classified as a Variant of Uncertain Significance. An algorithm developed to predict the effect of missense changes on protein structure and function (PolyPhen-2) suggests that this variant is likely to be tolerated. This variant has not been reported in the literature in individuals affected with RAB11B-related conditions. This variant is not present in population databases (gnomAD no frequency). This sequence change replaces phenylalanine, which is neutral and non-polar, with leucine, which is neutral and non-polar, at codon 12 of the RAB11B protein (p.Phe12Leu).